The following is an entry in ClinVar:

ClinVar aggregate classification (germline): Uncertain significance (1 of 4 stars; one submission).

Submission:

GeneDx
Classification: Uncertain significance. Last evaluated: 2026-03-02. Review status: criteria provided, single submitter. Criteria: GeneDx Variant Classification Process June 2021. Collection method: clinical testing. Allele origin: germline.
Comment: Not observed at significant frequency in large population cohorts (gnomAD); In silico analysis supports that this missense variant has a deleterious effect on protein structure/function; Has not been previously published as pathogenic or benign to our knowledge

NM_001134407.3(GRIN2A):c.1799C>T (p.Thr600Ile)

Gene: GRIN2A (glutamate ionotropic receptor NMDA type subunit 2A; minus strand). Cytogenetic location: 16p13.2.
Variant type: single nucleotide variant.
Coding change: c.1799C>T on transcript NM_001134407.3 (MANE Select); coding-DNA position 1799, C replaced by T.
Protein change: p.Thr600Ile; replaces threonine 600 with isoleucine.
Molecular consequence: missense variant.
Genome position (GRCh38, 1-based): chr16:9,829,631, G>A on the plus strand (C>T on the coding strand, the complement: GRIN2A is on the minus strand). VCF-style: chr16-9829631-G-A. GRCh37 (hg19) VCF-style: chr16-9923488-G-A.
Other names: c.1799C>T, p.Thr600Ile (NM_000833.5, NM_001134408.2); short protein forms T600I.
Identifiers: ClinVar variation 5008435 (VCV005008435.1).